The following is an entry in ClinVar:

ClinVar aggregate classification (germline): Uncertain significance (1 of 4 stars; one submission).

Conditions:
Pure or complex autosomal recessive spastic paraplegia. Identifiers: Orphanet 320346, MedGen C5679887, MONDO:0017915.

Submission:

Labcorp Genetics (formerly Invitae), Labcorp
Classification: Uncertain significance for Pure or complex autosomal recessive spastic paraplegia. Last evaluated: 2021-12-18. Review status: criteria provided, single submitter. Criteria: Invitae Variant Classification Sherloc (09022015). Collection method: clinical testing. Allele origin: germline.
Comment: In summary, the available evidence is currently insufficient to determine the role of this variant in disease. Therefore, it has been classified as a Variant of Uncertain Significance. Algorithms developed to predict the effect of missense changes on protein structure and function are either unavailable or do not agree on the potential impact of this missense change (SIFT: "Deleterious"; PolyPhen-2: "Probably Damaging"; Align-GVGD: "Class C0"). This variant has not been reported in the literature in individuals affected with ZFR-related conditions. This variant is not present in population databases (gnomAD no frequency). This sequence change replaces proline, which is neutral and non-polar, with serine, which is neutral and polar, at codon 179 of the ZFR protein (p.Pro179Ser).

NM_016107.5(ZFR):c.535C>T (p.Pro179Ser)

Gene: ZFR (zinc finger RNA binding protein; minus strand). Cytogenetic location: 5p13.3.
Variant type: single nucleotide variant.
Coding change: c.535C>T on transcript NM_016107.5 (MANE Select); coding-DNA position 535, C replaced by T.
Protein change: p.Pro179Ser; replaces proline 179 with serine.
Molecular consequence: missense variant. On other transcripts: non-coding transcript variant (1).
Genome position (GRCh38, 1-based): chr5:32,417,678, G>A on the plus strand (C>T on the coding strand, the complement: ZFR is on the minus strand). VCF-style: chr5-32417678-G-A. GRCh37 (hg19) VCF-style: chr5-32417783-G-A.
Other names: short protein forms P179S.
Identifiers: ClinVar variation 2041347 (VCV002041347.4), dbSNP rs2478458211, ClinGen allele CA359364469.